The following is an entry in ClinVar:

NM_000138.5(FBN1):c.7134C>G (p.Cys2378Trp)

Gene: FBN1 (fibrillin 1; minus strand). Cytogenetic location: 15q21.1.
Variant type: single nucleotide variant.
Coding change: c.7134C>G on transcript NM_000138.5 (MANE Select); coding-DNA position 7134, C replaced by G.
Protein change: p.Cys2378Trp; replaces cysteine 2378 with tryptophan.
Molecular consequence: missense variant.
Genome position (GRCh38, 1-based): chr15:48,427,637, G>C on the plus strand (C>G on the coding strand, the complement: FBN1 is on the minus strand). VCF-style: chr15-48427637-G-C. GRCh37 (hg19) VCF-style: chr15-48719834-G-C.
Other names: short protein forms C2378W.
Identifiers: ClinVar variation 527188 (VCV000527188.8), dbSNP rs1555394562, ClinGen allele CA392329546.
Genomic context (GRCh38, chr15:48,427,637, plus strand): 5'-GGTCATGAATCCTCGGCCATGGGGACAGAGTTTCTTGAAAGCCACAGTCCCCTGGAAAGG[G>C]CAGATCTCACAGTGGGGACCCCAGCCTCTCCCTCCGTCACAGCAGCATTCCGATTTGGTG-3'
Protein context (NP_000129.3, residues 2368-2388): GRGWGPHCEI[Cys2378Trp]PFQGTVAFKK

ClinVar aggregate classification (germline): Likely pathogenic (1 of 4 stars; one submission).

Conditions:
Familial thoracic aortic aneurysm and aortic dissection (TAAD). Also called: Thoracic aortic aneurysms and dissections. Identifiers: Orphanet 91387, MedGen C4707243, MONDO:0019625.
Marfan syndrome (MFS). Also called: Marfan syndrome type 1; Marfan syndrome, classic; Marfan's syndrome; FBN1-Related Marfan Syndrome; MARFAN SYNDROME, TYPE I. Identifiers: Orphanet 284963, Orphanet 558, MedGen C0024796, MONDO:0007947, OMIM 154700.

Submission:

Labcorp Genetics (formerly Invitae), Labcorp
Classification: Likely pathogenic for Marfan syndrome; Familial thoracic aortic aneurysm and aortic dissection. Last evaluated: 2017-08-02. Review status: criteria provided, single submitter. Criteria: Invitae Variant Classification Sherloc (09022015). Collection method: clinical testing. Allele origin: germline.
Comment: This variant affects a cysteine residue located within a TGFBP domain of the FBN1 protein. Cysteine residues in these domains are believed to be involved in intramolecular disulfide bridges and to be important for FBN1 structure. Although the exact function of the FBN1 TGFBP domains has not being elucidated (PMID: 10930463, 27437668), missense substitutions within the TGFBP domains affecting cysteine residues are significantly overrepresented among patients with Marfan syndrome (PMID: 16571647, 17701892). In summary, this variant is a novel missense change affecting a residue crucial for protein stability and function. Although additional genetic data will be necessary to further confirm pathogenicity for this variant, cysteine substitutions located in FBN1 TGFBP domains are likely deleterious. For these reasons, this variant has been classified as Likely Pathogenic. Algorithms developed to predict the effect of missense changes on protein structure and function do not agree on the potential impact of this missense change (SIFT: "Deleterious"; PolyPhen-2: "Probably Damaging"; Align-GVGD: "Class C0"). This variant has not been reported in the literature in individuals with FBN1-related disease. This variant is not present in population databases (ExAC no frequency). This sequence change replaces cysteine with tryptophan at codon 2378 of the FBN1 protein (p.Cys2378Trp). The cysteine residue is highly conserved and there is a large physicochemical difference between cysteine and tryptophan.

Literature cited by the submitters: PubMed 10930463; PubMed 27437668; PubMed 16571647; PubMed 17701892.